The following is an entry in ClinVar:

NM_004706.4(ARHGEF1):c.1154G>A (p.Arg385Gln)

Gene: ARHGEF1 (Rho guanine nucleotide exchange factor 1; plus strand). Cytogenetic location: 19q13.2.
Variant type: single nucleotide variant.
Coding change: c.1154G>A on transcript NM_004706.4 (MANE Select); coding-DNA position 1154, G replaced by A.
Protein change: p.Arg385Gln; replaces arginine 385 with glutamine.
Molecular consequence: missense variant.
Genome position (GRCh38, 1-based): chr19:41,898,474, G>A. VCF-style: chr19-41898474-G-A. GRCh37 (hg19) VCF-style: chr19-42402623-G-A.
Other names: c.1199G>A (NM_199002.1); c.1055G>A, p.Arg352Gln (NM_198977.2); c.1199G>A, p.Arg400Gln (NM_199002.2); short protein forms R400Q, R352Q, R385Q.
Identifiers: ClinVar variation 1406422 (VCV001406422.10), dbSNP rs202008400, ClinGen allele CA9466306.

ClinVar aggregate classification (germline): Uncertain significance. Review status: criteria provided, multiple submitters, no conflicts (2 of 4 stars). 2 submissions from 2 submitters: Uncertain significance (2). Last evaluated 2025-08-03.

Allele frequency attached by ClinVar (database versions not stated): ExAC 0.00006; gnomAD 0.00006 and 0.00009; gnomAD exomes 0.00006 and 0.00013; TOPMed 0.00009; 1000 Genomes Project 30x 0.00016; 1000 Genomes Project 0.00020; ESP Exome Variant Server 0.00024.
gnomAD v4.1: 93 of 1,549,238 alleles (0.006%); highest among the groups gnomAD compares: Middle Eastern, 0.067%; 2 homozygotes.

Submissions (2):

Ambry Genetics
Classification: Uncertain significance. Last evaluated: 2025-08-03. Review status: criteria provided, single submitter. Criteria: Ambry Variant Classification Scheme 2023. Collection method: clinical testing. Allele origin: germline.

Labcorp Genetics (formerly Invitae), Labcorp
Classification: Uncertain significance. Last evaluated: 2025-07-21. Review status: criteria provided, single submitter. Criteria: Invitae Variant Classification Sherloc (09022015). Collection method: clinical testing. Allele origin: germline.
Comment: This sequence change replaces arginine, which is basic and polar, with glutamine, which is neutral and polar, at codon 400 of the ARHGEF1 protein (p.Arg400Gln). This variant is present in population databases (rs202008400, gnomAD 0.03%). This variant has not been reported in the literature in individuals affected with ARHGEF1-related conditions. ClinVar contains an entry for this variant (Variation ID: 1406422). An algorithm developed to predict the effect of missense changes on protein structure and function (PolyPhen-2) suggests that this variant is likely to be tolerated. In summary, the available evidence is currently insufficient to determine the role of this variant in disease. Therefore, it has been classified as a Variant of Uncertain Significance.